The following is an entry in ClinVar:

ClinVar aggregate classification (germline): Pathogenic (0 of 4 stars; one submission).
ClinVar aggregate classification (somatic clinical impact): Tier I - Strong (1 of 4 stars; one submission).

Conditions:
Neuroblastoma, susceptibility to, 3. Also called: ALK-Related Neuroblastic Tumor Susceptibility. Identifiers: Orphanet 635, MedGen C2751681, MONDO:0013083, OMIM 613014.
Neuroblastoma (NB). Identifiers: Orphanet 635, MedGen C0027819, MeSH D009447, MONDO:0005072, HP:0003006.

Submissions (2):

Institute for Genomic Medicine (IGM) Clinical Laboratory, Nationwide Children's Hospital
Classification: Tier I - Strong for Neuroblastoma. Assertion type: diagnostic. Clinical significance: supports diagnosis. Last evaluated: 2025-06-30. Review status: criteria provided, single submitter. Criteria: AMP/ASCO/CAP Guidelines, 2017. Collection method: clinical testing. Allele origin: somatic. Affected: yes.
Comment: Variant has Tier I (strong) clinical significance as a diagnostic inclusion criterion in neuroblastoma, based on the following evidence: 1) Documented in one or more cancer databases (e.g., St. Jude Pecan, COSMIC, CIViC, OncoKB). 2) Appears in one or more well-established professional guidelines (e.g., World Health Organization [WHO]; National Comprehensive Cancer Network [NCCN]) as providing diagnostic, prognostic, or therapeutic information. 3) Diagnostic for a specific tumor type/classification based on well-powered studies with expert-level consensus (Evidence Level B; PMIDs: 21632861, 23334666, 18923523, 18923524, 25517749, 34250410, 33056981, 30523111).

Genomic Diagnostic Laboratory, Division of Genomic Diagnostics, Children's Hospital of Philadelphia
Classification: Pathogenic for Neuroblastoma, susceptibility to, 3. Last evaluated: 2015-11-06. Review status: no assertion criteria provided. Collection method: clinical testing. Allele origin: somatic. Affected: yes. Observed: 2 variant alleles.
Comment: Clinical Testing

Literature cited by the submitters: PubMed 21632861 (cited by Institute for Genomic Medicine (IGM) Clinical Laboratory, Nationwide Children's Hospital); PubMed 23334666 (cited by Institute for Genomic Medicine (IGM) Clinical Laboratory, Nationwide Children's Hospital); PubMed 18923523 (cited by Institute for Genomic Medicine (IGM) Clinical Laboratory, Nationwide Children's Hospital); PubMed 18923524 (cited by Institute for Genomic Medicine (IGM) Clinical Laboratory, Nationwide Children's Hospital); PubMed 25517749 (cited by Institute for Genomic Medicine (IGM) Clinical Laboratory, Nationwide Children's Hospital); PubMed 34250410 (cited by Institute for Genomic Medicine (IGM) Clinical Laboratory, Nationwide Children's Hospital); PubMed 33056981 (cited by Institute for Genomic Medicine (IGM) Clinical Laboratory, Nationwide Children's Hospital); PubMed 30523111 (cited by Institute for Genomic Medicine (IGM) Clinical Laboratory, Nationwide Children's Hospital).

NM_004304.5(ALK):c.3733T>A (p.Phe1245Ile)

Gene: ALK (ALK receptor tyrosine kinase; minus strand). Cytogenetic location: 2p23.2.
Variant type: single nucleotide variant.
Coding change: c.3733T>A on transcript NM_004304.5 (MANE Select); coding-DNA position 3733, T replaced by A.
Protein change: p.Phe1245Ile; replaces phenylalanine 1245 with isoleucine.
Molecular consequence: missense variant.
Genome position (GRCh38, 1-based): chr2:29,213,994, A>T on the plus strand (T>A on the coding strand, the complement: ALK is on the minus strand). VCF-style: chr2-29213994-A-T. GRCh37 (hg19) VCF-style: chr2-29436860-A-T.
Other names: c.529T>A, p.Phe177Ile (NM_001353765.2); short protein forms F1245I, F177I.
Identifiers: ClinVar variation 217855 (VCV000217855.2), dbSNP rs281864720, ClinGen allele CA277846.